The following is an entry in ClinVar:

ClinVar aggregate classification (germline): Uncertain significance (1 of 4 stars; one submission).

gnomAD v4.1: 7 of 1,613,604 alleles (0.00043%); highest among the groups gnomAD compares: Non-Finnish European, 0.00059%; no homozygotes.

Submission:

Labcorp Genetics (formerly Invitae), Labcorp
Classification: Uncertain significance. Last evaluated: 2023-07-17. Review status: criteria provided, single submitter. Criteria: Invitae Variant Classification Sherloc (09022015). Collection method: clinical testing. Allele origin: germline.
Comment: In summary, the available evidence is currently insufficient to determine the role of this variant in disease. Therefore, it has been classified as a Variant of Uncertain Significance. An algorithm developed to predict the effect of missense changes on protein structure and function (PolyPhen-2) suggests that this variant is likely to be disruptive. ClinVar contains an entry for this variant (Variation ID: 1934528). This variant has not been reported in the literature in individuals affected with CDC6-related conditions. This variant is not present in population databases (gnomAD no frequency). This sequence change replaces arginine, which is basic and polar, with glycine, which is neutral and non-polar, at codon 378 of the CDC6 protein (p.Arg378Gly).

NM_001254.4(CDC6):c.1132C>G (p.Arg378Gly)

Gene: CDC6 (cell division cycle 6; plus strand). Cytogenetic location: 17q21.2.
Variant type: single nucleotide variant.
Coding change: c.1132C>G on transcript NM_001254.4 (MANE Select); coding-DNA position 1132, C replaced by G.
Protein change: p.Arg378Gly; replaces arginine 378 with glycine.
Molecular consequence: missense variant.
Genome position (GRCh38, 1-based): chr17:40,295,404, C>G. VCF-style: chr17-40295404-C-G. GRCh37 (hg19) VCF-style: chr17-38451656-C-G.
Other names: short protein forms R378G.
Identifiers: ClinVar variation 1934528 (VCV001934528.5), dbSNP rs143357695, ClinGen allele CA399332373.
Genomic context (GRCh38, chr17:40,295,404, plus strand): 5'-TCTTGTCTGAAGGTATCTAGAGATCAGGTTCTGGACAATGCTGCAGTTCAATTCTGTGCC[C>G]GCAAAGTCTCTGCTGTTTCAGGAGATGTTCGCAAAGCACTGGATGTTTGCAGGTGAGTTA-3'
Protein context (NP_001245.1, residues 368-388): LDNAAVQFCA[Arg378Gly]KVSAVSGDVR